The following is an entry in ClinVar:

ClinVar aggregate classification (germline): Likely benign. Review status: criteria provided, single submitter (1 of 4 stars). 2 submissions from 2 submitters: Likely benign (1). 1 of the submissions does not count toward it. Last evaluated 2025-11-02.

Conditions:
LRSAM1-related disorder. Also called: LRSAM1-related condition.
Charcot-Marie-Tooth disease axonal type 2P. Also called: CHARCOT-MARIE-TOOTH DISEASE, AXONAL, TYPE 2G; CMT 2G; CHARCOT-MARIE-TOOTH NEUROPATHY, TYPE 2P; Charcot-Marie-Tooth Neuropathy Type 2G. Identifiers: Orphanet 300319, Orphanet 99941, MedGen C3280797, MONDO:0013753, OMIM 614436.

Allele frequency attached by ClinVar (database versions not stated): gnomAD exomes 0.00003; ExAC 0.00004; ESP Exome Variant Server 0.00008; gnomAD 0.00010 and 0.00011; TOPMed 0.00012.
gnomAD v4.1: 50 of 1,607,710 alleles (0.0031%); highest among the groups gnomAD compares: African/African-American, 0.049%; no homozygotes.

Submissions (2):

Labcorp Genetics (formerly Invitae), Labcorp
Classification: Likely benign for Charcot-Marie-Tooth disease axonal type 2P. Last evaluated: 2025-11-02. Review status: criteria provided, single submitter. Criteria: Invitae Variant Classification Sherloc (09022015). Collection method: clinical testing. Allele origin: germline.

PreventionGenetics, part of Exact Sciences
Classification: Likely benign for LRSAM1-related condition. Last evaluated: 2024-09-06. Review status: no assertion criteria provided. Collection method: clinical testing. Allele origin: germline. Not counted in ClinVar's aggregate classification.
Comment: This variant is classified as likely benign based on ACMG/AMP sequence variant interpretation guidelines (Richards et al. 2015 PMID: 25741868, with internal and published modifications).

NM_001005373.4(LRSAM1):c.585C>T (p.Ala195=)

Gene: LRSAM1 (leucine rich repeat and sterile alpha motif containing 1; plus strand). Cytogenetic location: 9q33.3.
Variant type: single nucleotide variant.
Coding change: c.585C>T on transcript NM_001005373.4 (MANE Select); coding-DNA position 585, C replaced by T.
Protein change: p.Ala195=; no amino-acid change (alanine 195 retained).
Molecular consequence: synonymous variant. On other transcripts: 5 prime UTR variant (1), non-coding transcript variant (2).
Genome position (GRCh38, 1-based): chr9:127,467,796, C>T. VCF-style: chr9-127467796-C-T. GRCh37 (hg19) VCF-style: chr9-130230075-C-T.
Other names: c.585C>T, p.Ala195= (NM_001005374.4, NM_001190723.3, NM_001384142.1 and 2 more transcripts); c.-200C>T (NM_001384144.1).
Identifiers: ClinVar variation 1537340 (VCV001537340.9), dbSNP rs144645671, ClinGen allele CA5246607.